The following is an entry in ClinVar:

NM_001010867.4(IBA57):c.680-5T>A

Gene: IBA57 (iron-sulfur cluster assembly factor IBA57; plus strand). Cytogenetic location: 1q42.13.
Variant type: single nucleotide variant.
Coding change: c.680-5T>A on transcript NM_001010867.4 (MANE Select); 5 bases into the intron before coding-DNA position 680, T replaced by A.
Molecular consequence: intron variant.
Genome position (GRCh38, 1-based): chr1:228,175,117, T>A. VCF-style: chr1-228175117-T-A. GRCh37 (hg19) VCF-style: chr1-228362818-T-A.
Other names: c.101-5T>A (NM_001310327.2).
Identifiers: ClinVar variation 704824 (VCV000704824.11), dbSNP rs577050962, ClinGen allele CA1431229.
Genomic context (GRCh38, chr1:228,175,117, plus strand): 5'-GGATTGCACGGGTGGAGCTGGACGATGTTCAATTCTCGCTGGTTTCCCCCCTCCAATCCC[T>A]GCAGGCGTTCCTGAGGGGGTCCGAGACTTGCCTCCTGGGGTGGCCCTGCCCCTGGAGTCC-3'

ClinVar aggregate classification (germline): Conflicting classifications of pathogenicity. Review status: criteria provided, conflicting classifications (1 of 4 stars). 2 submissions from 2 submitters: Uncertain significance (1); Likely benign (1). Last evaluated 2026-01-02.

Conditions:
Multiple mitochondrial dysfunctions syndrome 3 (MMDS3). Identifiers: Orphanet 363424, MedGen C3809165, MONDO:0014132, OMIM 615330.
Hereditary spastic paraplegia 74. Also called: Spastic paraplegia 74, autosomal recessive. Identifiers: Orphanet 468661, MedGen C5568837, MONDO:0014644, OMIM 616451.

Allele frequency attached by ClinVar (database versions not stated): gnomAD exomes 0.00023 and 0.00006; TOPMed 0.00014; gnomAD 0.00009 and 0.00008; ExAC 0.00017.

Submissions (2):

Labcorp Genetics (formerly Invitae), Labcorp
Classification: Likely benign for Multiple mitochondrial dysfunctions syndrome 3; Hereditary spastic paraplegia 74. Last evaluated: 2026-01-02. Review status: criteria provided, single submitter. Criteria: Invitae Variant Classification Sherloc (09022015). Collection method: clinical testing. Allele origin: germline.

GeneDx
Classification: Uncertain significance. Last evaluated: 2021-09-15. Review status: criteria provided, single submitter. Criteria: GeneDx Variant Classification Process June 2021. Collection method: clinical testing. Allele origin: germline. Affected: yes.
Comment: Has not been previously published as pathogenic or benign to our knowledge; In silico analysis, which includes splice predictors and evolutionary conservation, suggests this variant may impact gene splicing. In the absence of RNA/functional studies, the actual effect of this sequence change is unknown.; This variant is associated with the following publications: (PMID: 27535533)